The following is an entry in ClinVar:

ClinVar aggregate classification (germline): Pathogenic (1 of 4 stars; one submission).

Conditions:
DICER1-related tumor predisposition. Also called: DICER1-related pleuropulmonary blastoma cancer predisposition syndrome; DICER1 syndrome. Identifiers: Orphanet 284343, MedGen C3839822, MONDO:0100216.

Submission:

Labcorp Genetics (formerly Invitae), Labcorp
Classification: Pathogenic for DICER1-related tumor predisposition. Last evaluated: 2020-08-26. Review status: criteria provided, single submitter. Criteria: Invitae Variant Classification Sherloc (09022015). Collection method: clinical testing. Allele origin: germline.
Comment: For these reasons, this variant has been classified as Pathogenic. Loss-of-function variants in DICER1 are known to be pathogenic (PMID: 19556464, 21266384). This variant has not been reported in the literature in individuals with DICER1-related conditions. This variant is a gross deletion of the genomic region encompassing exon(s) 2-8 of the DICER1 gene, which includes the initiator codon. The 5' end of this event is unknown as it extends beyond the assayed region for this gene and therefore may encompass additional genes. The 3' boundary is likely confined to intron 8 of the DICER1 gene. This is expected to result in an absent or disrupted protein product.

Literature cited by the submitters: PubMed 19556464; PubMed 21266384.

NC_000014.8:g.(?_95590523)_(95599795_?)del

Gene: DICER1 (dicer 1, ribonuclease III; minus strand). Cytogenetic location: 14q32.13.
Variant type: Deletion.
Identifiers: ClinVar variation 1070159 (VCV001070159.4).